The following is an entry in ClinVar:

ClinVar aggregate classification (germline): Likely benign. Review status: criteria provided, multiple submitters, no conflicts (2 of 4 stars). 2 submissions from 2 submitters: Likely benign (2). Last evaluated 2026-01-14.

Conditions:
Nemaline myopathy 2 (NEM2). Also called: Nemaline myopathy 2, autosomal recessive. Identifiers: MedGen C1850569, MONDO:0009725, OMIM 256030.

Allele frequency attached by ClinVar (database versions not stated): ExAC 0.00002; gnomAD exomes 0.00002; TOPMed 0.00003.
gnomAD v4.1: 29 of 1,599,360 alleles (0.0018%); highest among the groups gnomAD compares: Admixed American, 0.01%; no homozygotes.

Submissions (2):

Labcorp Genetics (formerly Invitae), Labcorp
Classification: Likely benign for Nemaline myopathy 2. Last evaluated: 2026-01-14. Review status: criteria provided, single submitter. Criteria: Invitae Variant Classification Sherloc (09022015). Collection method: clinical testing. Allele origin: germline.

CeGaT Center for Human Genetics Tuebingen
Classification: Likely benign. Last evaluated: 2025-08-01. Review status: criteria provided, single submitter. Criteria: CeGaT Center For Human Genetics Tuebingen Variant Classification Criteria Version 2. Collection method: clinical testing. Allele origin: germline. Affected: yes. Observed: 1 variant allele.
Comment: NEB: BP4, BP7

NM_001164508.2(NEB):c.18411G>A (p.Thr6137=)

Gene: NEB (nebulin; minus strand). Cytogenetic location: 2q23.3.
Variant type: single nucleotide variant.
Coding change: c.18411G>A on transcript NM_001164508.2 (MANE Select); coding-DNA position 18411, G replaced by A.
Protein change: p.Thr6137=; no amino-acid change (threonine 6137 retained).
Molecular consequence: synonymous variant.
Genome position (GRCh38, 1-based): chr2:151,565,104, C>T on the plus strand (G>A on the coding strand, the complement: NEB is on the minus strand). VCF-style: chr2-151565104-C-T. GRCh37 (hg19) VCF-style: chr2-152421618-C-T.
Other names: c.18411G>A, p.Thr6137= (NM_001164507.2, NM_001271208.2); c.13308G>A, p.Thr4436= (NM_004543.5).
Identifiers: ClinVar variation 534067 (VCV000534067.19), dbSNP rs767659024, ClinGen allele CA1907961.